The following is an entry in ClinVar:

NM_000550.3(TYRP1):c.675G>T (p.Arg225Ser)

Gene: TYRP1 (tyrosinase related protein 1; plus strand). Cytogenetic location: 9p23.
Variant type: single nucleotide variant.
Coding change: c.675G>T on transcript NM_000550.3 (MANE Select); coding-DNA position 675, G replaced by T.
Protein change: p.Arg225Ser; replaces arginine 225 with serine.
Molecular consequence: missense variant.
Genome position (GRCh38, 1-based): chr9:12,695,804, G>T. VCF-style: chr9-12695804-G-T. GRCh37 (hg19) VCF-style: chr9-12695804-G-T.
Other names: c.675G>T (NM_000550.2); short protein forms R225S.
Identifiers: ClinVar variation 2185399 (VCV002185399.3), dbSNP rs760195376, ClinGen allele CA4985278.
Genomic context (GRCh38, chr9:12,695,804, plus strand): 5'-GGAAAGCTTTGGTGAAGTGGATTTCTCTCATGAGGGACCAGCTTTTCTCACATGGCACAG[G>T]TACCACCTCCTGCGTCTGGAGAAAGACATGCAGGTATGTAAGAAGCATTTCAGTTTGCAG-3'
Protein context (NP_000541.1, residues 215-235): HEGPAFLTWH[Arg225Ser]YHLLRLEKDM

ClinVar aggregate classification (germline): Uncertain significance. Review status: criteria provided, multiple submitters, no conflicts (2 of 4 stars). 3 submissions from 3 submitters: Uncertain significance (3). Last evaluated 2024-11-25.

Conditions:
Inborn genetic diseases. Identifiers: MedGen C0950123, MeSH D030342.

Allele frequency attached by ClinVar (database versions not stated): ExAC 0.00001; gnomAD 0.00001; gnomAD exomes 0.00002.
gnomAD v4.1: 37 of 1,614,004 alleles (0.0023%); highest among the groups gnomAD compares: Non-Finnish European, 0.0031%; no homozygotes.

Submissions (3):

Blueprint Genetics
Classification: Uncertain significance. Last evaluated: 2024-11-25. Review status: criteria provided, single submitter. Criteria: ACMG Guidelines, 2015. Collection method: clinical testing. Allele origin: germline.

Ambry Genetics
Classification: Uncertain significance for Inborn genetic diseases. Last evaluated: 2024-01-03. Review status: criteria provided, single submitter. Criteria: Ambry Variant Classification Scheme 2023. Collection method: clinical testing. Allele origin: germline.

Labcorp Genetics (formerly Invitae), Labcorp
Classification: Uncertain significance. Last evaluated: 2022-05-05. Review status: criteria provided, single submitter. Criteria: Invitae Variant Classification Sherloc (09022015). Collection method: clinical testing. Allele origin: germline.
Comment: This sequence change replaces arginine, which is basic and polar, with serine, which is neutral and polar, at codon 225 of the TYRP1 protein (p.Arg225Ser). This variant is present in population databases (rs760195376, gnomAD 0.002%). This variant has not been reported in the literature in individuals affected with TYRP1-related conditions. Algorithms developed to predict the effect of missense changes on protein structure and function are either unavailable or do not agree on the potential impact of this missense change (SIFT: "Tolerated"; PolyPhen-2: "Probably Damaging"; Align-GVGD: "Class C0"). In summary, the available evidence is currently insufficient to determine the role of this variant in disease. Therefore, it has been classified as a Variant of Uncertain Significance.